The following is an entry in ClinVar:

NM_022081.6(HPS4):c.1529C>G (p.Ser510Ter)

Gene: HPS4 (HPS4 biogenesis of lysosomal organelles complex 3 subunit 2; minus strand). Cytogenetic location: 22q12.1.
Variant type: single nucleotide variant.
Coding change: c.1529C>G on transcript NM_022081.6 (MANE Select); coding-DNA position 1529, C replaced by G.
Protein change: p.Ser510Ter; replaces serine 510 with a stop codon.
Molecular consequence: nonsense. On other transcripts: non-coding transcript variant (8).
Genome position (GRCh38, 1-based): chr22:26,464,101, G>C on the plus strand (C>G on the coding strand, the complement: HPS4 is on the minus strand). VCF-style: chr22-26464101-G-C. GRCh37 (hg19) VCF-style: chr22-26860067-G-C.
Other names: c.1529C>G, p.Ser510Ter (NM_001349896.1, NM_001349898.2, NM_001349899.2 and 5 more transcripts); c.1583C>G, p.Ser528Ter (NM_001349900.2, NM_001349901.1); c.1514C>G, p.Ser505Ter (NM_152841.2); short protein forms S505*, S510*, S528*.
Identifiers: ClinVar variation 2759359 (VCV002759359.3), dbSNP rs2518197535, ClinGen allele CA411026507.

ClinVar aggregate classification (germline): Pathogenic (1 of 4 stars; one submission).

Submission:

Labcorp Genetics (formerly Invitae), Labcorp
Classification: Pathogenic. Last evaluated: 2023-09-09. Review status: criteria provided, single submitter. Criteria: Invitae Variant Classification Sherloc (09022015). Collection method: clinical testing. Allele origin: germline.
Comment: This sequence change creates a premature translational stop signal (p.Ser510*) in the HPS4 gene. It is expected to result in an absent or disrupted protein product. Loss-of-function variants in HPS4 are known to be pathogenic (PMID: 12664304). This variant is not present in population databases (gnomAD no frequency). For these reasons, this variant has been classified as Pathogenic. This variant has not been reported in the literature in individuals affected with HPS4-related conditions.

Literature cited by the submitters: PubMed 12664304.